The following is an entry in ClinVar:

NM_007294.4(BRCA1):c.5193+26C>A

Gene: BRCA1 (BRCA1 DNA repair associated; minus strand). Cytogenetic location: 17q21.31.
Variant type: single nucleotide variant.
Coding change: c.5193+26C>A on transcript NM_007294.4 (MANE Select); 26 bases into the intron after coding-DNA position 5193, C replaced by A.
Molecular consequence: intron variant.
Genome position (GRCh38, 1-based): chr17:43,063,307, G>T on the plus strand (C>A on the coding strand, the complement: BRCA1 is on the minus strand). VCF-style: chr17-43063307-G-T. GRCh37 (hg19) VCF-style: chr17-41215324-G-T.
Other names: c.1758+26C>A (NM_001408438.1, NM_001408432.1, NM_001408443.1 and 10 more transcripts); c.1761+26C>A (NM_001408430.1, NM_001408427.1, NM_001408431.1 and 4 more transcripts); c.5064+26C>A (NM_001407682.1, NM_001407689.1, NM_001407681.1 and 6 more transcripts); c.5067+26C>A (NM_001407676.1, NM_001407679.1, NM_001407670.1 and 10 more transcripts); c.4989+26C>A (NM_001407863.1); c.5070+26C>A (NM_001407938.1, NM_001407667.1, NM_001407668.1 and 6 more transcripts); c.1764+26C>A (NM_001408423.1, NM_001408421.1, NM_001408424.1 and 1 more transcripts); c.1767+26C>A (NM_001408420.1, NM_001408419.1, NM_001408418.1); and 72 more.
Identifiers: ClinVar variation 865134 (VCV000865134.3), dbSNP rs1177812250, ClinGen allele CA916079980.

Conditions:
Breast-ovarian cancer, familial, susceptibility to, 1 (BROVCA1). Also called: BRCA1 Hereditary Breast and Ovarian Cancer; OVARIAN CANCER, SUSCEPTIBILITY TO. Identifiers: Orphanet 145, MedGen C2676676, MONDO:0011450, OMIM 604370. Disease mechanism: loss of function.

Submission:

Brotman Baty Institute, University of Washington
No classification provided (evidence only). Condition: Breast-ovarian cancer, familial 1. Review status: no classification provided. Collection method: in vitro. Allele origin: not applicable. Functional consequence: functionally_normal.
ClinVar note: "not provided" was previously submitted as the classification for the variant. However, the classification appeared to be based only on an observation of functional data so it was converted to no classification on 2025-07-30.